The following is an entry in ClinVar:

NM_153033.5(KCTD7):c.641G>A (p.Arg214Gln)

Gene: KCTD7 (potassium channel tetramerization domain containing 7; plus strand). Cytogenetic location: 7q11.21.
Variant type: single nucleotide variant.
Coding change: c.641G>A on transcript NM_153033.5 (MANE Select); coding-DNA position 641, G replaced by A.
Protein change: p.Arg214Gln; replaces arginine 214 with glutamine.
Molecular consequence: missense variant.
Genome position (GRCh38, 1-based): chr7:66,639,003, G>A. VCF-style: chr7-66639003-G-A. GRCh37 (hg19) VCF-style: chr7-66103990-G-A.
Other names: c.641G>A, p.Arg214Gln (NM_001167961.2); short protein forms R214Q.
Identifiers: ClinVar variation 935018 (VCV000935018.10), dbSNP rs1362697719, ClinGen allele CA367697069.

ClinVar aggregate classification (germline): Uncertain significance. Review status: criteria provided, multiple submitters, no conflicts (2 of 4 stars). 2 submissions from 2 submitters: Uncertain significance (2). Last evaluated 2025-04-30.

Conditions:
Progressive myoclonic epilepsy type 3. Also called: KCTD7-Related Progressive Myoclonic Epilepsy; EPILEPSY, PROGRESSIVE MYOCLONIC, 3, WITH OR WITHOUT INTRACELLULAR INCLUSIONS; CEROID LIPOFUSCINOSIS, NEURONAL, 14; EPILEPSY, PROGRESSIVE MYOCLONIC, 3, WITHOUT INTRACELLULAR INCLUSIONS. Identifiers: Orphanet 263516, MedGen C2673257, MONDO:0012721, OMIM 611726.

Allele frequency attached by ClinVar (database versions not stated): gnomAD 0.00001; gnomAD exomes 0.00001 and 0.00002; TOPMed 0.00001.
gnomAD v4.1: 19 of 1,614,066 alleles (0.0012%); highest among the groups gnomAD compares: Non-Finnish European, 0.0014%; no homozygotes.

Submissions (2):

GeneDx
Classification: Uncertain significance. Last evaluated: 2025-04-30. Review status: criteria provided, single submitter. Criteria: GeneDx Variant Classification Process June 2021. Collection method: clinical testing. Allele origin: germline. Affected: yes.
Comment: Not observed at significant frequency in large population cohorts (gnomAD); In silico analysis indicates that this missense variant does not alter protein structure/function; Has not been previously published as pathogenic or benign to our knowledge

Labcorp Genetics (formerly Invitae), Labcorp
Classification: Uncertain significance for Progressive myoclonic epilepsy type 3. Last evaluated: 2021-09-01. Review status: criteria provided, single submitter. Criteria: Invitae Variant Classification Sherloc (09022015). Collection method: clinical testing. Allele origin: germline.
Comment: This sequence change replaces arginine with glutamine at codon 214 of the KCTD7 protein (p.Arg214Gln). The arginine residue is highly conserved and there is a small physicochemical difference between arginine and glutamine. This variant is not present in population databases (ExAC no frequency). This variant has not been reported in the literature in individuals affected with KCTD7-related conditions. Algorithms developed to predict the effect of missense changes on protein structure and function are either unavailable or do not agree on the potential impact of this missense change (SIFT: "Tolerated"; PolyPhen-2: "Possibly Damaging"; Align-GVGD: "Class C0"). Algorithms developed to predict the effect of sequence changes on RNA splicing suggest that this variant may create or strengthen a splice site. In summary, the available evidence is currently insufficient to determine the role of this variant in disease. Therefore, it has been classified as a Variant of Uncertain Significance.